The following is an entry in ClinVar:

ClinVar aggregate classification (germline): Uncertain significance (1 of 4 stars; one submission).

Conditions:
SEMA3A-related disorder. Also called: SEMA3A-related condition.

Submission:

PreventionGenetics, part of Exact Sciences
Classification: Uncertain significance for SEMA3A-related condition. Last evaluated: 2026-08-12. Review status: criteria provided, single submitter. Criteria: ACMG Guidelines, 2015. Collection method: clinical testing. Allele origin: germline.
Comment: The SEMA3A c.1828T>C variant is predicted to result in the amino acid substitution p.Phe610Leu. To our knowledge, this variant has not been reported in the literature or in a large population database, indicating this variant is rare. At this time, the clinical significance of this variant is uncertain due to the absence of conclusive functional and genetic evidence.

NM_006080.3(SEMA3A):c.1828T>C (p.Phe610Leu)

Gene: SEMA3A (semaphorin 3A; minus strand). Cytogenetic location: 7q21.11.
Variant type: single nucleotide variant.
Coding change: c.1828T>C on transcript NM_006080.3 (MANE Select); coding-DNA position 1828, T replaced by C.
Protein change: p.Phe610Leu; replaces phenylalanine 610 with leucine.
Molecular consequence: missense variant.
Genome position (GRCh38, 1-based): chr7:83,963,237, A>G on the plus strand (T>C on the coding strand, the complement: SEMA3A is on the minus strand). VCF-style: chr7-83963237-A-G. GRCh37 (hg19) VCF-style: chr7-83592553-A-G.
Other names: short protein forms F610L.
Identifiers: ClinVar variation 4985260 (VCV004985260.1).